The following is an entry in ClinVar:

ClinVar aggregate classification (germline): Conflicting classifications of pathogenicity. Review status: criteria provided, conflicting classifications (1 of 4 stars). 5 submissions from 5 submitters: Likely pathogenic (2); Uncertain significance (3). Last evaluated 2026-01-27.

Conditions:
Autosomal recessive ataxia due to ubiquinone deficiency. Also called: SPINOCEREBELLAR ATAXIA, AUTOSOMAL RECESSIVE 9; Coenzyme Q10 deficiency, primary, 4. Identifiers: Orphanet 139485, MedGen C2677589, MONDO:0012784, OMIM 612016.

Allele frequency attached by ClinVar (database versions not stated): TOPMed 0.00002; ESP Exome Variant Server 0.00015.
gnomAD v4.1: 77 of 1,613,924 alleles (0.0048%); highest among the groups gnomAD compares: Non-Finnish European, 0.0058%; no homozygotes.

Submissions (5):

Labcorp Genetics (formerly Invitae), Labcorp
Classification: Likely pathogenic. Last evaluated: 2026-01-27. Review status: criteria provided, single submitter. Criteria: Invitae Variant Classification Sherloc (09022015). Collection method: clinical testing. Allele origin: germline.
Comment: This sequence change replaces proline, which is neutral and non-polar, with glutamine, which is neutral and polar, at codon 602 of the COQ8A protein (p.Pro602Gln). This variant is present in population databases (rs61995958, gnomAD 0.006%). This variant has not been reported in the literature in individuals affected with COQ8A-related conditions. ClinVar contains an entry for this variant (Variation ID: 214050). Invitae Evidence Modeling of protein sequence and biophysical properties (such as structural, functional, and spatial information, amino acid conservation, physicochemical variation, residue mobility, and thermodynamic stability) indicates that this missense variant is expected to disrupt COQ8A protein function with a positive predictive value of 80%. This variant disrupts the p.Pro602 amino acid residue in COQ8A. Other variant(s) that disrupt this residue have been determined to be pathogenic (PMID: 24048965). This suggests that this residue is clinically significant, and that variants that disrupt this residue are likely to be disease-causing. In summary, the currently available evidence indicates that the variant is pathogenic, but additional data are needed to prove that conclusively. Therefore, this variant has been classified as Likely Pathogenic.

First Genomix Gene Laboratory, Genetic Diagnostics Department
Classification: Likely pathogenic for Autosomal recessive ataxia due to ubiquinone deficiency. Last evaluated: 2025-07-14. Review status: criteria provided, single submitter. Criteria: ACMG Guidelines, 2015. Collection method: clinical testing. Allele origin: germline. Inheritance: Autosomal recessive inheritance. Affected: no. Observed: 1 variant allele.

Revvity Omics, Revvity
Classification: Uncertain significance for Autosomal recessive ataxia due to ubiquinone deficiency. Last evaluated: 2024-02-06. Review status: criteria provided, single submitter. Criteria: ACMG Guidelines, 2015. Collection method: clinical testing. Allele origin: germline.

Blueprint Genetics
Classification: Uncertain significance. Last evaluated: 2022-06-07. Review status: criteria provided, single submitter. Criteria: ACMG Guidelines, 2015. Collection method: clinical testing. Allele origin: germline.

GeneDx
Classification: Uncertain significance. Last evaluated: 2018-10-22. Review status: criteria provided, single submitter. Criteria: GeneDx Variant Classification (06012015). Collection method: clinical testing. Allele origin: germline. Affected: yes.
Comment: The P602Q variant in the ADCK3 gene has not been reported previously as a pathogenic variant, nor as a benign variant, to our knowledge. This variant is observed in 10/246250 (0.0041%) alleles in large population cohorts (Lek et al., 2016). The P602Q variant is a non-conservative amino acid substitution, which is likely to impact secondary protein structure as these residues differ in polarity, charge, size and/or other properties. In-silico analyses, including protein predictors and evolutionary conservation, support a deleterious effect. A missense variant at the same residue (P602R, reported as P502R due to the use of alternative nomenclature) has been reported in in association with cerebellar atrophy and coenzyme Q10 deficiency in two siblings who were compound heterozygotes for P602R and a second ADCK3 variant (Blumkin et al., 2014), supporting the functional importance of this region of the protein. We interpret P602Q as a variant of uncertain significance.

Literature cited by the submitters: PubMed 24048965 (cited by Labcorp Genetics (formerly Invitae), Labcorp).

NM_020247.5(COQ8A):c.1805C>A (p.Pro602Gln)

Gene: COQ8A (coenzyme Q8A; plus strand). Cytogenetic location: 1q42.13.
Variant type: single nucleotide variant.
Coding change: c.1805C>A on transcript NM_020247.5 (MANE Select); coding-DNA position 1805, C replaced by A.
Protein change: p.Pro602Gln; replaces proline 602 with glutamine.
Molecular consequence: missense variant.
Genome position (GRCh38, 1-based): chr1:226,986,598, C>A. VCF-style: chr1-226986598-C-A. GRCh37 (hg19) VCF-style: chr1-227174299-C-A.
Other names: p.P602Q:CCA>CAA; short protein forms P602Q.
Identifiers: ClinVar variation 214050 (VCV000214050.11), dbSNP rs61995958, ClinGen allele CA324373.